The following is an entry in ClinVar:

NM_021020.5(LZTS1):c.1570G>T (p.Gly524Cys)

Gene: LZTS1 (leucine zipper tumor suppressor 1; minus strand). Cytogenetic location: 8p21.3.
Variant type: single nucleotide variant.
Coding change: c.1570G>T on transcript NM_021020.5 (MANE Select); coding-DNA position 1570, G replaced by T.
Protein change: p.Gly524Cys; replaces glycine 524 with cysteine.
Molecular consequence: missense variant.
Genome position (GRCh38, 1-based): chr8:20,249,943, C>A on the plus strand (G>T on the coding strand, the complement: LZTS1 is on the minus strand). VCF-style: chr8-20249943-C-A. GRCh37 (hg19) VCF-style: chr8-20107454-C-A.
Other names: c.1570G>T, p.Gly524Cys (NM_001362884.2); short protein forms G524C.
Identifiers: ClinVar variation 4806092 (VCV004806092.1).

ClinVar aggregate classification (germline): Uncertain significance (1 of 4 stars; one submission).

Submission:

Labcorp Genetics (formerly Invitae), Labcorp
Classification: Uncertain significance. Last evaluated: 2025-07-13. Review status: criteria provided, single submitter. Criteria: Invitae Variant Classification Sherloc (09022015). Collection method: clinical testing. Allele origin: germline.
Comment: This sequence change replaces glycine, which is neutral and non-polar, with cysteine, which is neutral and slightly polar, at codon 524 of the LZTS1 protein (p.Gly524Cys). This variant is not present in population databases (gnomAD no frequency). This variant has not been reported in the literature in individuals affected with LZTS1-related conditions. Invitae Evidence Modeling of protein sequence and biophysical properties (such as structural, functional, and spatial information, amino acid conservation, physicochemical variation, residue mobility, and thermodynamic stability) indicates that this missense variant is not expected to disrupt LZTS1 protein function with a negative predictive value of 80%. In summary, the available evidence is currently insufficient to determine the role of this variant in disease. Therefore, it has been classified as a Variant of Uncertain Significance.